The following is an entry in ClinVar:

ClinVar aggregate classification (germline): Benign/Likely benign. Review status: criteria provided, multiple submitters, no conflicts (2 of 4 stars). 4 submissions from 4 submitters: Benign (1); Likely benign (2). 1 of the submissions does not count toward it. Last evaluated 2025-12-24.

Conditions:
Neutropenia, severe congenital, 2, autosomal dominant. Identifiers: Orphanet 486, MedGen C2751288, MONDO:0013139, OMIM 613107.
GFI1-related disorder. Also called: GFI1-related condition.

Allele frequency attached by ClinVar (database versions not stated): ESP Exome Variant Server 0.00008; TOPMed 0.00017; gnomAD 0.00019; gnomAD exomes 0.00022 and 0.00026; ExAC 0.00032.

Submissions (4):

Labcorp Genetics (formerly Invitae), Labcorp
Classification: Benign for Neutropenia, severe congenital, 2, autosomal dominant. Last evaluated: 2025-12-24. Review status: criteria provided, single submitter. Criteria: Invitae Variant Classification Sherloc (09022015). Collection method: clinical testing. Allele origin: germline.

Blueprint Genetics
Classification: Likely benign. Last evaluated: 2024-11-12. Review status: criteria provided, single submitter. Criteria: ACMG Guidelines, 2015. Collection method: clinical testing. Allele origin: germline.

Ambry Genetics
Classification: Likely benign. Last evaluated: 2024-10-05. Review status: criteria provided, single submitter. Criteria: Ambry Variant Classification Scheme 2023. Collection method: clinical testing. Allele origin: germline.

PreventionGenetics, part of Exact Sciences
Classification: Likely benign for GFI1-related condition. Last evaluated: 2020-02-13. Review status: no assertion criteria provided. Collection method: clinical testing. Allele origin: germline. Not counted in ClinVar's aggregate classification.
Comment: This variant is classified as likely benign based on ACMG/AMP sequence variant interpretation guidelines (Richards et al. 2015 PMID: 25741868, with internal and published modifications).

NM_005263.5(GFI1):c.588C>T (p.Gly196=)

Gene: GFI1 (growth factor independent 1 transcriptional repressor; minus strand). Cytogenetic location: 1p22.1.
Variant type: single nucleotide variant.
Coding change: c.588C>T on transcript NM_005263.5 (MANE Select); coding-DNA position 588, C replaced by T.
Protein change: p.Gly196=; no amino-acid change (glycine 196 retained).
Molecular consequence: synonymous variant.
Genome position (GRCh38, 1-based): chr1:92,480,799, G>A on the plus strand (C>T on the coding strand, the complement: GFI1 is on the minus strand). VCF-style: chr1-92480799-G-A. GRCh37 (hg19) VCF-style: chr1-92946356-G-A.
Other names: c.588C>T, p.Gly196= (NM_001127215.3, NM_001127216.3).
Identifiers: ClinVar variation 298189 (VCV000298189.14), dbSNP rs370716261, ClinGen allele CA951356.